The following is an entry in ClinVar:

ClinVar aggregate classification (germline): Conflicting classifications of pathogenicity. Review status: criteria provided, conflicting classifications (1 of 4 stars). 4 submissions from 4 submitters: Uncertain significance (2); Likely benign (1). 1 of the submissions does not count toward it. Last evaluated 2025-04-14.

Conditions:
RAI1-related disorder. Also called: RAI1-related condition.
Inborn genetic diseases. Identifiers: MedGen C0950123, MeSH D030342.

Submissions (4):

Labcorp Genetics (formerly Invitae), Labcorp
Classification: Uncertain significance. Last evaluated: 2025-04-14. Review status: criteria provided, single submitter. Criteria: Invitae Variant Classification Sherloc (09022015). Collection method: clinical testing. Allele origin: germline.
Comment: This variant, c.3726_3731dup, results in the insertion of 2 amino acid(s) of the RAI1 protein (p.Arg1244_Ser1245dup), but otherwise preserves the integrity of the reading frame. This variant is present in population databases (rs746345331, gnomAD 0.008%). This variant has not been reported in the literature in individuals affected with RAI1-related conditions. ClinVar contains an entry for this variant (Variation ID: 196535). In summary, the available evidence is currently insufficient to determine the role of this variant in disease. Therefore, it has been classified as a Variant of Uncertain Significance.

Ambry Genetics
Classification: Likely benign for Inborn genetic diseases. Last evaluated: 2020-03-26. Review status: criteria provided, single submitter. Criteria: Ambry Variant Classification Scheme 2023. Collection method: clinical testing. Allele origin: germline.

Eurofins Ntd Llc (ga)
Classification: Uncertain significance. Last evaluated: 2014-11-03. Review status: criteria provided, single submitter. Criteria: EGL Classification Definitions. Collection method: clinical testing. Allele origin: germline. Observed: 1 variant allele, 1 heterozygote.

PreventionGenetics, part of Exact Sciences
Classification: Uncertain significance for RAI1-related condition. Last evaluated: 2024-06-17. Review status: no assertion criteria provided. Collection method: clinical testing. Allele origin: germline. Not counted in ClinVar's aggregate classification.
Comment: The RAI1 c.3726_3731dup6 variant is predicted to result in an in-frame duplication (p.Arg1244_Ser1245dup). To our knowledge, this variant has not been reported in the literature. This variant is reported in 0.0081% of alleles in individuals of African descent in gnomAD. At this time, the clinical significance of this variant is uncertain due to the absence of conclusive functional and genetic evidence.

NM_030665.4(RAI1):c.3726_3731dup (p.1242_1243RS[3])

Gene: RAI1 (retinoic acid induced 1; plus strand). Cytogenetic location: 17p11.2.
Variant type: Duplication.
Coding change: c.3726_3731dup on transcript NM_030665.4 (MANE Select); coding-DNA positions 3726 to 3731, 6 bases duplicated (GAGCCG; older notation c.3726_3731dupGAGCCG).
Protein change: p.1242_1243RS[3].
Molecular consequence: inframe insertion.
Genome position (GRCh38, 1-based): chr17:17,796,674-17,796,679, GAGCCG duplicated; duplicating any 6 consecutive bases within chr17:17,796,672-17,796,679 gives the same sequence; the c. name uses the placement nearest the transcript's 3' end. VCF-style (leftmost placement, unchanged base first): chr17-17796671-G-GCGGAGC. GRCh37 (hg19) VCF-style: chr17-17699985-G-GCGGAGC.
Other names: c.3726_3731dup6 (NM_030665.3).
Identifiers: ClinVar variation 196535 (VCV000196535.11), dbSNP rs1169402682, ClinGen allele CA243517.